The following is an entry in ClinVar:

NM_007118.4(TRIO):c.7049C>G (p.Pro2350Arg)

Gene: TRIO (trio Rho guanine nucleotide exchange factor; plus strand). Cytogenetic location: 5p15.2.
Variant type: single nucleotide variant.
Coding change: c.7049C>G on transcript NM_007118.4 (MANE Select); coding-DNA position 7049, C replaced by G.
Protein change: p.Pro2350Arg; replaces proline 2350 with arginine.
Molecular consequence: missense variant. On other transcripts: non-coding transcript variant (1).
Genome position (GRCh38, 1-based): chr5:14,487,677, C>G. VCF-style: chr5-14487677-C-G. GRCh37 (hg19) VCF-style: chr5-14487786-C-G.
Other names: c.7049C>G (NM_007118.3); short protein forms P2350R.
Identifiers: ClinVar variation 1339855 (VCV001339855.7), dbSNP rs754870679, ClinGen allele CA359236705.
Genomic context (GRCh38, chr5:14,487,677, plus strand): 5'-CCCCCAGCACGAGCAGGAGCCGGCCCTCCCGGATCCCCCAGCCTGTCCGACACCACCCCC[C>G]CGTGCTGGTCTCCTCTGCAGCCTCGAGCCAGGCAGAGGCAGACAAGATGTCAGGTACGTC-3'
Protein context (NP_009049.2, residues 2340-2360): RIPQPVRHHP[Pro2350Arg]VLVSSAASSQ

ClinVar aggregate classification (germline): Uncertain significance. Review status: criteria provided, single submitter (1 of 4 stars). 2 submissions from 2 submitters: Uncertain significance (1). 1 of the submissions does not count toward it. Last evaluated 2022-11-03.

Conditions:
Intellectual developmental disorder, autosomal dominant 44, with microcephaly. Also called: TRIO-Related Intellectual Disability; Micrognathia-recurrent infections-behavioral abnormalities-mild intellectual disability syndrome. Identifiers: Orphanet 476126, MedGen C4310740, MONDO:0014892, OMIM 617061.
TRIO-related disorder. Also called: TRIO-related condition; TRIO-related disorders.

Allele frequency attached by ClinVar (database versions not stated): TOPMed 0.00002.
gnomAD v4.1: 20 of 1,411,326 alleles (0.0014%); highest among the groups gnomAD compares: Non-Finnish European, 0.0019%; no homozygotes.

Submissions (2):

Revvity Omics, Revvity
Classification: Uncertain significance. Last evaluated: 2022-11-03. Review status: criteria provided, single submitter. Criteria: ACMG Guidelines, 2015. Collection method: clinical testing. Allele origin: germline.

PreventionGenetics, part of Exact Sciences
Classification: Uncertain significance for TRIO-related condition. Last evaluated: 2024-01-04. Review status: no assertion criteria provided. Collection method: clinical testing. Allele origin: germline. Not counted in ClinVar's aggregate classification.
Comment: The TRIO c.7049C>G variant is predicted to result in the amino acid substitution p.Pro2350Arg. To our knowledge, this variant has not been reported in the literature or in a large population database, indicating this variant is rare. At this time, the clinical significance of this variant is uncertain due to the absence of conclusive functional and genetic evidence.